The following is an entry in ClinVar:

ClinVar aggregate classification (germline): Conflicting classifications of pathogenicity. Review status: criteria provided, conflicting classifications (1 of 4 stars). 5 submissions from 5 submitters: Uncertain significance (3); Likely benign (1). 1 of the submissions does not count toward it. Last evaluated 2024-06-26.

Conditions:
Hereditary cancer-predisposing syndrome. Also called: Hereditary Cancer Syndrome; Hereditary neoplastic syndrome; Neoplastic Syndromes, Hereditary; Tumor predisposition. Identifiers: Orphanet 140162, MedGen C0027672, MeSH D009386, MONDO:0015356.
Hereditary breast ovarian cancer syndrome. Also called: BRCA1- and BRCA2-Associated Hereditary Breast and Ovarian Cancer; Hereditary breast and ovarian cancer syndrome; Hereditary breast and ovarian cancer syndrome (HBOC); Breast and ovarian cancer; Hereditary breast and/or ovarian cancer syndrome; Hereditary breast and ovarian cancer. Identifiers: Orphanet 145, MedGen C0677776, MeSH D061325, MONDO:0003582. Disease mechanism: loss of function.
Breast-ovarian cancer, familial, susceptibility to, 1 (BROVCA1). Also called: BRCA1 Hereditary Breast and Ovarian Cancer; OVARIAN CANCER, SUSCEPTIBILITY TO. Identifiers: Orphanet 145, MedGen C2676676, MONDO:0011450, OMIM 604370. Disease mechanism: loss of function.

gnomAD v4.1: 2 of 1,613,538 alleles (0.00012%); highest among the groups gnomAD compares: Non-Finnish European, 0.00017%; no homozygotes.

Submissions (5):

GeneDx
Classification: Uncertain significance. Last evaluated: 2024-06-26. Review status: criteria provided, single submitter. Criteria: GeneDx Variant Classification Process June 2021. Collection method: clinical testing. Allele origin: germline. Affected: yes.
Comment: Not observed at significant frequency in large population cohorts (gnomAD); In silico analysis indicates that this missense variant does not alter protein structure/function; Has not been previously published as pathogenic or benign to our knowledge; Also known as 2508G>A; This variant is associated with the following publications: (PMID: 15343273)

Ambry Genetics
Classification: Uncertain significance for Hereditary cancer-predisposing syndrome. Last evaluated: 2024-03-05. Review status: criteria provided, single submitter. Criteria: Ambry Variant Classification Scheme 2023. Collection method: clinical testing. Allele origin: germline.
Comment: The p.E797K variant (also known as c.2389G>A), located in coding exon 9 of the BRCA1 gene, results from a G to A substitution at nucleotide position 2389. The glutamic acid at codon 797 is replaced by lysine, an amino acid with similar properties. This amino acid position is poorly conserved in available vertebrate species. In addition, this alteration is predicted to be tolerated by in silico analysis. Based on the available evidence, the clinical significance of this alteration remains unclear.

Labcorp Genetics (formerly Invitae), Labcorp
Classification: Uncertain significance for Hereditary breast ovarian cancer syndrome. Last evaluated: 2023-10-13. Review status: criteria provided, single submitter. Criteria: Invitae Variant Classification Sherloc (09022015). Collection method: clinical testing. Allele origin: germline.
Comment: This sequence change replaces glutamic acid, which is acidic and polar, with lysine, which is basic and polar, at codon 797 of the BRCA1 protein (p.Glu797Lys). This variant is present in population databases (rs62625306, gnomAD 0.0009%). This variant has not been reported in the literature in individuals affected with BRCA1-related conditions. ClinVar contains an entry for this variant (Variation ID: 91586). Advanced modeling of protein sequence and biophysical properties (such as structural, functional, and spatial information, amino acid conservation, physicochemical variation, residue mobility, and thermodynamic stability) performed at Invitae indicates that this missense variant is not expected to disrupt BRCA1 protein function. In summary, the available evidence is currently insufficient to determine the role of this variant in disease. Therefore, it has been classified as a Variant of Uncertain Significance.

University of Washington Department of Laboratory Medicine, University of Washington
Classification: Likely benign for Hereditary cancer-predisposing syndrome. Last evaluated: 2023-03-23. Review status: criteria provided, single submitter. Criteria: Dines et al. (Genet Med. 2020). Collection method: curation. Allele origin: germline.
Comment: Missense variant in a coldspot region where missense variants are very unlikely to be pathogenic (PMID:31911673).

BRCA1 coldspot (exon 11 using historical exon numbering). Reclassification based on statistical prior probability

Sharing Clinical Reports Project (SCRP)
Classification: Uncertain significance for Breast-ovarian cancer, familial 1. Last evaluated: 2012-04-12. Review status: no assertion criteria provided. Collection method: clinical testing. Allele origin: germline. Not counted in ClinVar's aggregate classification.

NM_007294.4(BRCA1):c.2389G>A (p.Glu797Lys)

Gene: BRCA1 (BRCA1 DNA repair associated; minus strand). Cytogenetic location: 17q21.31.
Variant type: single nucleotide variant.
Coding change: c.2389G>A on transcript NM_007294.4 (MANE Select); coding-DNA position 2389, G replaced by A.
Protein change: p.Glu797Lys; replaces glutamic acid 797 with lysine.
Molecular consequence: missense variant. On other transcripts: intron variant (137).
Genome position (GRCh38, 1-based): chr17:43,093,142, C>T on the plus strand (G>A on the coding strand, the complement: BRCA1 is on the minus strand). VCF-style: chr17-43093142-C-T. GRCh37 (hg19) VCF-style: chr17-41245159-C-T.
Other names: 2508G>A; c.2386G>A, p.Glu796Lys (NM_001407587.1, NM_001407590.1, NM_001407591.1 and 22 more transcripts); c.2389G>A, p.Glu797Lys (NM_001407593.1, NM_001407594.1, NM_001407596.1 and 30 more transcripts); c.2380G>A, p.Glu794Lys (NM_001407646.1, NM_001407647.1); c.2308G>A, p.Glu770Lys (NM_001407659.1, NM_001407660.1, NM_001407661.1 and 1 more transcripts); c.2311G>A, p.Glu771Lys (NM_001407663.1, NM_001407653.1, NM_001407654.1 and 4 more transcripts); c.2266G>A, p.Glu756Lys (NM_001407664.1, NM_001407665.1, NM_001407666.1 and 19 more transcripts); c.2263G>A, p.Glu755Lys (NM_001407685.1, NM_001407686.1, NM_001407940.1 and 11 more transcripts); and 42 more; short protein forms E797K, E750K, E629K, E670K, E708K, E726K, E755K, E685K.
Identifiers: ClinVar variation 91586 (VCV000091586.10), dbSNP rs62625306, ClinGen allele CA001587.